The following is an entry in ClinVar:

ClinVar aggregate classification (germline): Benign/Likely benign. Review status: criteria provided, multiple submitters, no conflicts (2 of 4 stars). 3 submissions from 3 submitters: Benign (1); Likely benign (1). 1 of the submissions does not count toward it. Last evaluated 2024-06-28.

Conditions:
CDKL5 disorder. Identifiers: MedGen CN296942, MONDO:0100039.
Atypical Rett syndrome. Also called: Rett like syndrome; Variant Rett Syndrome. Identifiers: Orphanet 3095, MedGen C2748910, MONDO:0017746.

Allele frequency attached by ClinVar (database versions not stated): TOPMed 0.00053; gnomAD 0.00040 and 0.00047; 1000 Genomes Project 30x 0.00042; 1000 Genomes Project 0.00053.

Submissions (3):

Centre for Population Genomics, CPG
Classification: Benign for CDKL5 disorder. Last evaluated: 2024-06-28. Review status: criteria provided, single submitter. Criteria: McKnight et al. (Hum Mutat. 2022). Collection method: curation. Allele origin: germline. Inheritance: X-linked inheritance.
Comment: This variant has been collected from RettBASE and curated to current modified ACMG/AMP criteria. Based on the classification scheme defined by the ClinGen Rett/Angelman-like Expert Panel for Rett/AS-like Disorders Specifications to the ACMG/AMP Variant Interpretation Guidelines VCEP 3.0, this variant is classified as benign. At least the following criteria are met: The allele frequency of this variant in at least one population in gnomAD v3 is higher than the 0.03% threshold defined by the ClinGen Rett/Angelman-like Expert Panel for Rett/AS-like Disorders VCEP 3.0 (BA1).

CeGaT Center for Human Genetics Tuebingen
Classification: Likely benign. Last evaluated: 2023-03-01. Review status: criteria provided, single submitter. Criteria: CeGaT Center For Human Genetics Tuebingen Variant Classification Criteria Version 2. Collection method: clinical testing. Allele origin: germline. Affected: yes. Observed: 2 variant alleles.
Comment: CDKL5: BS2

RettBASE
Classification: Uncertain significance for Atypical Rett syndrome. Last evaluated: 2014-03-13. Review status: no assertion criteria provided. Collection method: curation. Allele origin: unknown. Affected: yes. Observed: 1 variant allele. Not counted in ClinVar's aggregate classification.
Comment: No parental testing, unreported SNP

Literature cited by the submitters: PubMed 16015284 (cited by RettBASE).

NM_003159.2(CDKL5):c.-440G>T

Genes: CDKL5 (cyclin dependent kinase like 5; plus strand), LOC121853052 (Sharpr-MPRA regulatory region 2020; plus strand). Cytogenetic location: Xp22.13.
Variant type: single nucleotide variant.
Coding change: c.-440G>T on transcript NM_003159.2; 440 bases upstream of the start codon, G replaced by T.
Genome position (GRCh38, 1-based): chrX:18,425,418, G>T. VCF-style: chrX-18425418-G-T. GRCh37 (hg19) VCF-style: chrX-18443538-G-T.
Identifiers: ClinVar variation 189604 (VCV000189604.26), dbSNP rs777401314, ClinGen allele CA199425.